The following is an entry in ClinVar:

NM_001330078.2(NRXN1):c.1320+4A>C

Gene: NRXN1 (neurexin 1; minus strand). Cytogenetic location: 2p16.3.
Variant type: single nucleotide variant.
Coding change: c.1320+4A>C on transcript NM_001330078.2 (MANE Select); 4 bases into the intron after coding-DNA position 1320, A replaced by C.
Molecular consequence: intron variant.
Genome position (GRCh38, 1-based): chr2:50,620,018, T>G on the plus strand (A>C on the coding strand, the complement: NRXN1 is on the minus strand). VCF-style: chr2-50620018-T-G. GRCh37 (hg19) VCF-style: chr2-50847156-T-G.
Other names: c.1236+4A>C (NM_001330096.2, NM_001330087.2); c.1281+4A>C (NM_001330083.2, NM_001330084.2); c.1266+4A>C (NM_001330088.2); c.1317+4A>C (NM_001330093.2); c.1308+4A>C (NM_001330094.2); c.1296+4A>C (NM_001330095.2, NM_001330082.2, NM_001330077.2); c.1320+4A>C (NM_001330085.2, NM_004801.6, NM_001330086.2); c.1440+4A>C (NM_001135659.3).
Identifiers: ClinVar variation 1318595 (VCV001318595.2), dbSNP rs2104239758, ClinGen allele CA346821571.

ClinVar aggregate classification (germline): Uncertain significance (1 of 4 stars; one submission).

Submission:

GeneDx
Classification: Uncertain significance. Last evaluated: 2019-08-05. Review status: criteria provided, single submitter. Criteria: GeneDx Variant Classification Process June 2021. Collection method: clinical testing. Allele origin: germline. Affected: yes.
Comment: Not observed in large population cohorts (Lek et al., 2016); In silico analysis, which includes splice predictors and evolutionary conservation, supports that this variant does not alter protein structure/function; Has not been previously published as pathogenic or benign to our knowledge